The following is an entry in ClinVar:

NM_000810.4(GABRA5):c.385T>G (p.Trp129Gly)

Gene: GABRA5 (gamma-aminobutyric acid type A receptor subunit alpha5; plus strand). Cytogenetic location: 15q12.
Variant type: single nucleotide variant.
Coding change: c.385T>G on transcript NM_000810.4 (MANE Select); coding-DNA position 385, T replaced by G.
Protein change: p.Trp129Gly; replaces tryptophan 129 with glycine.
Molecular consequence: missense variant.
Genome position (GRCh38, 1-based): chr15:26,883,445, T>G. VCF-style: chr15-26883445-T-G. GRCh37 (hg19) VCF-style: chr15-27128592-T-G.
Other names: c.385T>G, p.Trp129Gly (NM_001165037.2); short protein forms W129G.
Identifiers: ClinVar variation 5007638 (VCV005007638.1).
Genomic context (GRCh38, chr15:26,883,445, plus strand): 5'-CTTCGGTTTAAGGGGCCCATGCAGCGCCTCCCTCTCAACAACCTCCTTGCCAGCAAGATC[T>G]GGACCCCAGACACGTTCTTCCACAACGGGAAGAAGTCCATCGCTCACAACATGACCACGC-3'
Protein context (NP_000801.1, residues 119-139): PLNNLLASKI[Trp129Gly]TPDTFFHNGK

ClinVar aggregate classification (germline): Uncertain significance (1 of 4 stars; one submission).

Conditions:
Developmental and epileptic encephalopathy, 79. Also called: EPILEPTIC ENCEPHALOPATHY, EARLY INFANTILE, 79. Identifiers: MedGen C5231410, MONDO:0032813, OMIM 618559.

Submission:

Juno Genomics, Hangzhou Juno Genomics, Inc
Classification: Uncertain significance for Developmental and epileptic encephalopathy, 79. Review status: criteria provided, single submitter. Criteria: ACMG Guidelines, 2015. Collection method: clinical testing. Allele origin: germline. Affected: yes.
Comment: Absent from controls (or at extremely low frequency if recessive) in Genome Aggregation Database.;Multiple lines of computational evidence support a deleterious effect on the gene or gene product.;Missense variant in a gene that has a low rate of benign missense variation.